The following is an entry in ClinVar:

NM_015335.5(MED13L):c.3538C>G (p.Leu1180Val)

Gene: MED13L (mediator complex subunit 13L; minus strand). Cytogenetic location: 12q24.21.
Variant type: single nucleotide variant.
Coding change: c.3538C>G on transcript NM_015335.5 (MANE Select); coding-DNA position 3538, C replaced by G.
Protein change: p.Leu1180Val; replaces leucine 1180 with valine.
Molecular consequence: missense variant.
Genome position (GRCh38, 1-based): chr12:115,991,416, G>C on the plus strand (C>G on the coding strand, the complement: MED13L is on the minus strand). VCF-style: chr12-115991416-G-C. GRCh37 (hg19) VCF-style: chr12-116429221-G-C.
Other names: short protein forms L1180V.
Identifiers: ClinVar variation 3659078 (VCV003659078.2).

ClinVar aggregate classification (germline): Uncertain significance (1 of 4 stars; one submission).

Conditions:
Dextro-looped transposition of the great arteries. Also called: Dextrotransposition of the great arteries. Identifiers: Orphanet 860, MedGen C3531771, MONDO:0019443, OMIM 608808, HP:0031348.

Submission:

Labcorp Genetics (formerly Invitae), Labcorp
Classification: Uncertain significance for Dextro-looped transposition of the great arteries. Last evaluated: 2024-07-09. Review status: criteria provided, single submitter. Criteria: Invitae Variant Classification Sherloc (09022015). Collection method: clinical testing. Allele origin: germline.
Comment: This sequence change replaces leucine, which is neutral and non-polar, with valine, which is neutral and non-polar, at codon 1180 of the MED13L protein (p.Leu1180Val). This variant is present in population databases (no rsID available, gnomAD 0.0009%). This variant has not been reported in the literature in individuals affected with MED13L-related conditions. Advanced modeling of protein sequence and biophysical properties (such as structural, functional, and spatial information, amino acid conservation, physicochemical variation, residue mobility, and thermodynamic stability) performed at Invitae indicates that this missense variant is expected to disrupt MED13L protein function with a positive predictive value of 80%. In summary, the available evidence is currently insufficient to determine the role of this variant in disease. Therefore, it has been classified as a Variant of Uncertain Significance.